The following is an entry in ClinVar:

ClinVar aggregate classification (germline): Uncertain significance. Review status: criteria provided, multiple submitters, no conflicts (2 of 4 stars). 2 submissions from 2 submitters: Uncertain significance (2). Last evaluated 2024-12-31.

Conditions:
Treacher Collins syndrome 1 (TCS1). Also called: TCOF1-Related Treacher Collins Syndrome. Identifiers: Orphanet 861, MedGen CN315775, MONDO:0007944, OMIM 154500.
Inborn genetic diseases. Identifiers: MedGen C0950123, MeSH D030342.

Submissions (2):

Ambry Genetics
Classification: Uncertain significance for Inborn genetic diseases. Last evaluated: 2024-12-31. Review status: criteria provided, single submitter. Criteria: Ambry Variant Classification Scheme 2023. Collection method: clinical testing. Allele origin: germline.

Labcorp Genetics (formerly Invitae), Labcorp
Classification: Uncertain significance for Treacher Collins syndrome 1. Last evaluated: 2024-05-13. Review status: criteria provided, single submitter. Criteria: Invitae Variant Classification Sherloc (09022015). Collection method: clinical testing. Allele origin: germline.
Comment: This sequence change replaces leucine, which is neutral and non-polar, with glutamine, which is neutral and polar, at codon 489 of the TCOF1 protein (p.Leu489Gln). This variant is not present in population databases (gnomAD no frequency). This variant has not been reported in the literature in individuals affected with TCOF1-related conditions. Advanced modeling of protein sequence and biophysical properties (such as structural, functional, and spatial information, amino acid conservation, physicochemical variation, residue mobility, and thermodynamic stability) performed at Invitae indicates that this missense variant is not expected to disrupt TCOF1 protein function with a negative predictive value of 80%. In summary, the available evidence is currently insufficient to determine the role of this variant in disease. Therefore, it has been classified as a Variant of Uncertain Significance.

NM_001371623.1(TCOF1):c.1466T>A (p.Leu489Gln)

Gene: TCOF1 (treacle ribosome biogenesis factor 1; plus strand). Cytogenetic location: 5q32.
Variant type: single nucleotide variant.
Coding change: c.1466T>A on transcript NM_001371623.1 (MANE Select); coding-DNA position 1466, T replaced by A.
Protein change: p.Leu489Gln; replaces leucine 489 with glutamine.
Molecular consequence: missense variant.
Genome position (GRCh38, 1-based): chr5:150,375,141, T>A. VCF-style: chr5-150375141-T-A. GRCh37 (hg19) VCF-style: chr5-149754704-T-A.
Other names: c.1466T>A (NM_001135243.1); c.1235T>A, p.Leu412Gln (NM_000356.4, NM_001135245.2); c.1466T>A, p.Leu489Gln (NM_001008657.3, NM_001135243.2, NM_001135244.2 and 1 more transcripts); short protein forms L489Q, L412Q.
Identifiers: ClinVar variation 3673635 (VCV003673635.3).